The following is an entry in ClinVar:

ClinVar aggregate classification (germline): Likely pathogenic. Review status: criteria provided, multiple submitters, no conflicts (2 of 4 stars). 2 submissions from 2 submitters: Likely pathogenic (2). Last evaluated 2026-03-03.

Conditions:
Hereditary cancer-predisposing syndrome. Also called: Neoplastic Syndromes, Hereditary; Tumor predisposition; Hereditary Cancer Syndrome; Hereditary neoplastic syndrome. Identifiers: Orphanet 140162, MedGen C0027672, MeSH D009386, MONDO:0015356.

Submissions (2):

Ambry Genetics
Classification: Likely pathogenic for Hereditary cancer-predisposing syndrome. Last evaluated: 2026-03-03. Review status: criteria provided, single submitter. Criteria: Ambry Variant Classification Scheme 2023. Collection method: clinical testing. Allele origin: germline.
Comment: The c.2057-2A>C intronic variant results from an A to C substitution two nucleotides upstream from coding exon 17 in the BAP1 gene. This alteration was non-functional in a high throughput genome editing haploid cell survival functional assay (Waters AJ et al. Nat Genet, 2024 Jul;56:1434-1445). Other variant(s) impacting the same acceptor site (c.2057-2A>G) have been identified in individual(s) with features consistent with BAP1-related disease (Wiesner T et al. Nat Genet, 2011 Aug;43:1018-21; Ambry internal data). In silico splice site analysis predicts that this alteration will weaken the native splice acceptor site and will result in the creation or strengthening of a novel splice acceptor site; however, direct evidence is insufficient at this time (Ambry internal data). This variant is considered to be rare based on population cohorts in the Genome Aggregation Database (gnomAD). Based on the majority of available evidence to date, this variant is likely to be pathogenic.

Center for Genomic Medicine, Rigshospitalet, Copenhagen University Hospital
Classification: Likely pathogenic. Last evaluated: 2025-03-04. Review status: criteria provided, single submitter. Criteria: ACMG Guidelines, 2015. Collection method: clinical testing. Allele origin: germline.

Literature cited by the submitters: PubMed 38969833 (cited by Ambry Genetics); PubMed 21874003 (cited by Center for Genomic Medicine, Rigshospitalet, Copenhagen University Hospital).

NM_004656.4(BAP1):c.2057-2A>C

Gene: BAP1 (BRCA1 associated deubiquitinase 1; minus strand). Cytogenetic location: 3p21.1.
Variant type: single nucleotide variant.
Coding change: c.2057-2A>C on transcript NM_004656.4 (MANE Select); the canonical splice acceptor site of the intron before coding-DNA position 2057, A replaced by C.
Molecular consequence: splice acceptor variant.
Genome position (GRCh38, 1-based): chr3:52,402,423, T>G on the plus strand (A>C on the coding strand, the complement: BAP1 is on the minus strand). VCF-style: chr3-52402423-T-G. GRCh37 (hg19) VCF-style: chr3-52436439-T-G.
Other names: c.2057-2A>C (NM_004656.2); c.2003-2A>C (NM_001410772.1).
Identifiers: ClinVar variation 2575411 (VCV002575411.3), dbSNP rs587776878, ClinGen allele CA353094598.